The following is an entry in ClinVar:

ClinVar aggregate classification (germline): Uncertain significance (1 of 4 stars; one submission).

Conditions:
Immunodeficiency 31B. Also called: STAT1 DEFICIENCY, AUTOSOMAL RECESSIVE; IMMUNODEFICIENCY 31B, MYCOBACTERIAL AND VIRAL INFECTIONS, AUTOSOMAL RECESSIVE. Identifiers: Orphanet 391311, MedGen C3151088, MONDO:0013427, OMIM 613796.
Autoimmune enteropathy and endocrinopathy - susceptibility to chronic infections syndrome. Also called: Immunodeficiency 31C, autosomal dominant; Immunodeficiency 31C. Identifiers: Orphanet 391487, MedGen C3279990, MONDO:0013599, OMIM 614162.
Mendelian susceptibility to mycobacterial diseases due to partial STAT1 deficiency. Also called: IMMUNODEFICIENCY 31A, MYCOBACTERIOSIS, AUTOSOMAL DOMINANT; STAT1 DEFICIENCY, AUTOSOMAL DOMINANT; Immunodeficiency 31a. Identifiers: Orphanet 319595, MedGen C4013950, MONDO:0013956, OMIM 614892.

Submission:

Labcorp Genetics (formerly Invitae), Labcorp
Classification: Uncertain significance for Mendelian susceptibility to mycobacterial diseases due to partial STAT1 deficiency; Immunodeficiency 31B; Autoimmune enteropathy and endocrinopathy - susceptibility to chronic infections syndrome. Last evaluated: 2022-11-09. Review status: criteria provided, single submitter. Criteria: Invitae Variant Classification Sherloc (09022015). Collection method: clinical testing. Allele origin: germline.
Comment: In summary, the available evidence is currently insufficient to determine the role of this variant in disease. Therefore, it has been classified as a Variant of Uncertain Significance. Algorithms developed to predict the effect of missense changes on protein structure and function (SIFT, PolyPhen-2, Align-GVGD) all suggest that this variant is likely to be tolerated. This variant has not been reported in the literature in individuals affected with STAT1-related conditions. This variant is not present in population databases (gnomAD no frequency). This sequence change replaces asparagine, which is neutral and polar, with serine, which is neutral and polar, at codon 253 of the STAT1 protein (p.Asn253Ser).

NM_007315.4(STAT1):c.758A>G (p.Asn253Ser)

Gene: STAT1 (signal transducer and activator of transcription 1; minus strand). Cytogenetic location: 2q32.2.
Variant type: single nucleotide variant.
Coding change: c.758A>G on transcript NM_007315.4 (MANE Select); coding-DNA position 758, A replaced by G.
Protein change: p.Asn253Ser; replaces asparagine 253 with serine.
Molecular consequence: missense variant.
Genome position (GRCh38, 1-based): chr2:190,997,883, T>C on the plus strand (A>G on the coding strand, the complement: STAT1 is on the minus strand). VCF-style: chr2-190997883-T-C. GRCh37 (hg19) VCF-style: chr2-191862609-T-C.
Other names: c.758A>G, p.Asn253Ser (NM_001384880.1, NM_001384882.1, NM_001384885.1 and 5 more transcripts); c.764A>G, p.Asn255Ser (NM_001384881.1, NM_001384884.1); c.659A>G, p.Asn220Ser (NM_001384883.1); c.668A>G, p.Asn223Ser (NM_001384890.1); c.794A>G, p.Asn265Ser (NM_001384891.1); short protein forms N253S, N255S, N220S, N223S, N265S.
Identifiers: ClinVar variation 2941172 (VCV002941172.3), dbSNP rs1559018895, ClinGen allele CA349922527.
Genomic context (GRCh38, chr2:190,997,883, plus strand): 5'-CAGCTGCCAGTTTTCTGCTTTGGAGAATCTTACCAGTTCTGCAGCTGATCCAAGCAAGCA[T>C]TGGGCGGCCCCCCAATACAGGCGCTCTGCTGTCTCCGCTTCCACTCCACTAGTTCATCAT-3'
Protein context (NP_009330.1, residues 243-263): QQSACIGGPP[Asn253Ser]ACLDQLQNWF